The following is an entry in ClinVar:

NM_001379081.2(FREM1):c.1464C>T (p.Ser488=)

Gene: FREM1 (FRAS1 related extracellular matrix 1; minus strand). Cytogenetic location: 9p22.3.
Variant type: single nucleotide variant.
Coding change: c.1464C>T on transcript NM_001379081.2 (MANE Select); coding-DNA position 1464, C replaced by T.
Protein change: p.Ser488=; no amino-acid change (serine 488 retained).
Molecular consequence: synonymous variant. On other transcripts: non-coding transcript variant (2).
Genome position (GRCh38, 1-based): chr9:14,842,590, G>A on the plus strand (C>T on the coding strand, the complement: FREM1 is on the minus strand). VCF-style: chr9-14842590-G-A. GRCh37 (hg19) VCF-style: chr9-14842588-G-A.
Other names: c.1464C>T, p.Ser488= (NM_144966.7).
Identifiers: ClinVar variation 285269 (VCV000285269.33), dbSNP rs200064797, ClinGen allele CA4991228.
Genomic context (GRCh38, chr9:14,842,590, plus strand): 5'-GTGACGGATGCTGTGATGGCCATCAAATATCCGGAAGACCACGAAGTCTTTGGTGGAGTC[G>A]CTGTCATCATGATGATAGCGAACAACTCCAGCCTGGAGGTCAGCCACGGTGAAGAGAAAC-3'
Protein context (NP_001366010.1, residues 478-498): AGVVRYHHDD[Ser488=]DSTKDFVVFR

ClinVar aggregate classification (germline): Benign/Likely benign. Review status: criteria provided, multiple submitters, no conflicts (2 of 4 stars). 6 submissions from 6 submitters: Benign (1); Likely benign (5). Last evaluated 2026-08-01.

Conditions:
Oculotrichoanal syndrome (MOTA). Also called: Manitoba Oculotrichoanal (MOTA) Syndrome; MARLES SYNDROME. Identifiers: Orphanet 2717, MedGen C1855425, MONDO:0009560, OMIM 248450.

Allele frequency attached by ClinVar (database versions not stated): 1000 Genomes Project 30x 0.00031; 1000 Genomes Project 0.00060; gnomAD 0.00151 and 0.00155; TOPMed 0.00160; gnomAD exomes 0.00199 and 0.00239; ESP Exome Variant Server 0.00223; ExAC 0.00231.
gnomAD v4.1: 3,714 of 1,613,918 alleles (0.23%); highest among the groups gnomAD compares: Non-Finnish European, 0.28%; 6 homozygotes.

Submissions (6):

CeGaT Center for Human Genetics Tuebingen
Classification: Likely benign. Last evaluated: 2026-08-01. Review status: criteria provided, single submitter. Criteria: CeGaT Center For Human Genetics Tuebingen Variant Classification Criteria Version 2. Collection method: clinical testing. Allele origin: germline. Affected: yes. Observed: 2 variant alleles.
Comment: FREM1: BP4, BP7

Labcorp Genetics (formerly Invitae), Labcorp
Classification: Benign. Last evaluated: 2025-12-25. Review status: criteria provided, single submitter. Criteria: Invitae Variant Classification Sherloc (09022015). Collection method: clinical testing. Allele origin: germline.

Blueprint Genetics
Classification: Likely benign. Last evaluated: 2024-11-07. Review status: criteria provided, single submitter. Criteria: ACMG Guidelines, 2015. Collection method: clinical testing. Allele origin: germline.

Illumina Laboratory Services, Illumina
Classification: Likely benign for Oculotrichoanal syndrome. Last evaluated: 2018-01-13. Review status: criteria provided, single submitter. Criteria: ICSL Variant Classification Criteria 13 December 2019. Collection method: clinical testing. Allele origin: germline.
Comment: This variant was observed in the ICSL laboratory as part of a predisposition screen in an ostensibly healthy population. It had not been previously curated by ICSL or reported in the Human Gene Mutation Database (HGMD: prior to June 1st, 2018), and was therefore a candidate for classification through an automated scoring system. Utilizing variant allele frequency, disease prevalence and penetrance estimates, and inheritance mode, an automated score was calculated to assess if this variant is too frequent to cause the disease. Based on the score and internal cut-off values, a variant classified as likely benign is not then subjected to further curation. The score for this variant resulted in a classification of likely benign for this disease.

Eurofins Ntd Llc (ga)
Classification: Likely benign. Last evaluated: 2016-01-27. Review status: criteria provided, single submitter. Criteria: EGL Classification Definitions 2015. Collection method: clinical testing. Allele origin: germline. Observed: 1 variant allele, 1 heterozygote.

Breakthrough Genomics
Classification: Likely benign. Review status: criteria provided, single submitter. Criteria: ACMG Guidelines, 2015. Collection method: not provided. Allele origin: germline. Inheritance: Autosomal recessive inheritance. Affected: yes.